The following is an entry in ClinVar:

ClinVar aggregate classification (germline): Uncertain significance (1 of 4 stars; one submission).

gnomAD v4.1: 2 of 1,613,874 alleles (0.00012%); highest among the groups gnomAD compares: Non-Finnish European, 0.000085%; no homozygotes.

Submission:

Labcorp Genetics (formerly Invitae), Labcorp
Classification: Uncertain significance. Last evaluated: 2022-03-12. Review status: criteria provided, single submitter. Criteria: Invitae Variant Classification Sherloc (09022015). Collection method: clinical testing. Allele origin: germline.
Comment: This sequence change replaces arginine, which is basic and polar, with proline, which is neutral and non-polar, at codon 5277 of the ADGRV1 protein (p.Arg5277Pro). This variant is present in population databases (rs747856236, gnomAD no frequency). This variant has not been reported in the literature in individuals affected with ADGRV1-related conditions. Algorithms developed to predict the effect of missense changes on protein structure and function output the following: SIFT: "Tolerated"; PolyPhen-2: "Benign"; Align-GVGD: "Class C0". The proline amino acid residue is found in multiple mammalian species, which suggests that this missense change does not adversely affect protein function. In summary, the available evidence is currently insufficient to determine the role of this variant in disease. Therefore, it has been classified as a Variant of Uncertain Significance.

NM_032119.4(ADGRV1):c.15830G>C (p.Arg5277Pro)

Gene: ADGRV1 (adhesion G protein-coupled receptor V1; plus strand). Cytogenetic location: 5q14.3.
Variant type: single nucleotide variant.
Coding change: c.15830G>C on transcript NM_032119.4 (MANE Select); coding-DNA position 15830, G replaced by C.
Protein change: p.Arg5277Pro; replaces arginine 5277 with proline.
Molecular consequence: missense variant. On other transcripts: non-coding transcript variant (1).
Genome position (GRCh38, 1-based): chr5:90,811,090, G>C. VCF-style: chr5-90811090-G-C. GRCh37 (hg19) VCF-style: chr5-90106907-G-C.
Other names: short protein forms R5277P.
Identifiers: ClinVar variation 2109868 (VCV002109868.1), dbSNP rs747856236, ClinGen allele CA3341988.